The following is an entry in ClinVar:

ClinVar aggregate classification (germline): Pathogenic (1 of 4 stars; one submission).

Conditions:
Glycogen storage disease IXa1. Also called: GLYCOGEN STORAGE DISEASE VIII; GSD VIII; Glycogen storage disease 8; LIVER GLYCOGENOSIS, X-LINKED, TYPE I. Identifiers: Orphanet 264580, MedGen C3694531, MONDO:0010598, OMIM 306000.

Submission:

Labcorp Genetics (formerly Invitae), Labcorp
Classification: Pathogenic for Glycogen storage disease IXa1. Last evaluated: 2020-03-26. Review status: criteria provided, single submitter. Criteria: Invitae Variant Classification Sherloc (09022015). Collection method: clinical testing. Allele origin: germline.
Comment: For these reasons, this variant has been classified as Pathogenic. Loss-of-function variants in PHKA2 are known to be pathogenic (PMID: 7711737, 10330341). This variant has not been reported in the literature in individuals with PHKA2-related conditions. This variant is not present in population databases (ExAC no frequency). This sequence change creates a premature translational stop signal (p.Thr1109Argfs*5) in the PHKA2 gene. It is expected to result in an absent or disrupted protein product.

Literature cited by the submitters: PubMed 7711737; PubMed 10330341.

NM_000292.3(PHKA2):c.3325del (p.Thr1109fs)

Gene: PHKA2 (phosphorylase kinase regulatory subunit alpha 2; minus strand). Cytogenetic location: Xp22.13.
Variant type: Deletion.
Coding change: c.3325del on transcript NM_000292.3 (MANE Select); coding-DNA position 3325, one base deleted (A; older notation c.3325delA).
Protein change: p.Thr1109fs; shifts the reading frame from threonine 1109.
Molecular consequence: frameshift variant.
Genome position (GRCh38, 1-based): chrX:18,895,149, T deleted on the plus strand (A on the coding strand, the reverse complement: PHKA2 is on the minus strand). VCF-style (leftmost placement, unchanged base first): chrX-18895148-GT-G. GRCh37 (hg19) VCF-style: chrX-18913266-GT-G.
Other names: short protein forms T1109fs.
Identifiers: ClinVar variation 1071224 (VCV001071224.7), dbSNP rs2147806873, ClinGen allele CA2499226546.